The following is an entry in ClinVar:

NM_000143.4(FH):c.267+6T>G

Gene: FH (fumarate hydratase; minus strand). Cytogenetic location: 1q43.
Variant type: single nucleotide variant.
Coding change: c.267+6T>G on transcript NM_000143.4 (MANE Select); 6 bases into the intron after coding-DNA position 267, T replaced by G.
Molecular consequence: intron variant.
Genome position (GRCh38, 1-based): chr1:241,517,176, A>C on the plus strand (T>G on the coding strand, the complement: FH is on the minus strand). VCF-style: chr1-241517176-A-C. GRCh37 (hg19) VCF-style: chr1-241680476-A-C.
Identifiers: ClinVar variation 3729157 (VCV003729157.2).

ClinVar aggregate classification (germline): Uncertain significance (1 of 4 stars; one submission).

Submission:

Labcorp Genetics (formerly Invitae), Labcorp
Classification: Uncertain significance. Last evaluated: 2025-01-19. Review status: criteria provided, single submitter. Criteria: Invitae Variant Classification Sherloc (09022015). Collection method: clinical testing. Allele origin: germline.
Comment: This sequence change falls in intron 2 of the FH gene. It does not directly change the encoded amino acid sequence of the FH protein. It affects a nucleotide within the consensus splice site. This variant is not present in population databases (gnomAD no frequency). This variant has not been reported in the literature in individuals affected with FH-related conditions. Variants that disrupt the consensus splice site are a relatively common cause of aberrant splicing (PMID: 17576681, 9536098). Algorithms developed to predict the effect of sequence changes on RNA splicing suggest that this variant may disrupt the consensus splice site. In summary, the available evidence is currently insufficient to determine the role of this variant in disease. Therefore, it has been classified as a Variant of Uncertain Significance.

Literature cited by the submitters: PubMed 17576681; PubMed 9536098.